The following is an entry in ClinVar:

ClinVar aggregate classification (germline): Conflicting classifications of pathogenicity. Review status: criteria provided, conflicting classifications (1 of 4 stars). 5 submissions from 5 submitters: Pathogenic (1); Likely pathogenic (3); Uncertain significance (1). Last evaluated 2024-10-26.

Conditions:
Fanconi anemia (FA). Also called: Fanconi's anemia. Identifiers: Orphanet 84, MedGen C0015625, MeSH D005199, MONDO:0019391.
Fanconi anemia complementation group C (FANCC). Also called: FANCC-Related Fanconi Anemia; FANCONI PANCYTOPENIA, TYPE 3; FACC; Fanconi anemia, group C. Identifiers: Orphanet 84, MedGen C3468041, MONDO:0009213, OMIM 227645.
Hereditary cancer-predisposing syndrome. Also called: Tumor predisposition; Hereditary neoplastic syndrome; Neoplastic Syndromes, Hereditary; Hereditary Cancer Syndrome. Identifiers: Orphanet 140162, MedGen C0027672, MeSH D009386, MONDO:0015356.

gnomAD v4.1: 2 of 1,614,142 alleles (0.00012%); highest among the groups gnomAD compares: Non-Finnish European, 0.00017%; no homozygotes.

Submissions (5):

Labcorp Genetics (formerly Invitae), Labcorp
Classification: Pathogenic for Fanconi anemia. Last evaluated: 2024-10-26. Review status: criteria provided, single submitter. Criteria: Invitae Variant Classification Sherloc (09022015). Collection method: clinical testing. Allele origin: germline.
Comment: This sequence change affects a donor splice site in intron 14 of the FANCC gene. While this variant is not anticipated to result in nonsense mediated decay, it likely alters RNA splicing and results in a disrupted protein product. This variant is not present in population databases (gnomAD no frequency). This variant has not been reported in the literature in individuals affected with FANCC-related conditions. ClinVar contains an entry for this variant (Variation ID: 857945). Variants that disrupt the consensus splice site are a relatively common cause of aberrant splicing (PMID: 17576681, 9536098). Algorithms developed to predict the effect of sequence changes on RNA splicing suggest that this variant may disrupt the consensus splice site. This variant disrupts a region of the FANCC protein in which other variant(s) (p.Arg548*) have been determined to be pathogenic (PMID: 8103176, 8882868, 24584348). This suggests that this is a clinically significant region of the protein, and that variants that disrupt it are likely to be disease-causing. For these reasons, this variant has been classified as Pathogenic.

Fulgent Genetics
Classification: Likely pathogenic for Fanconi anemia complementation group C. Last evaluated: 2024-03-25. Review status: criteria provided, single submitter. Criteria: ACMG Guidelines, 2015. Collection method: clinical testing. Allele origin: germline.

Baylor Genetics
Classification: Likely pathogenic for Fanconi anemia complementation group C. Last evaluated: 2024-02-14. Review status: criteria provided, single submitter. Criteria: ACMG Guidelines, 2015. Collection method: clinical testing. Allele origin: unknown.

Ambry Genetics
Classification: Uncertain significance for Hereditary cancer-predisposing syndrome. Last evaluated: 2022-10-06. Review status: criteria provided, single submitter. Criteria: Ambry Variant Classification Scheme 2023. Collection method: clinical testing. Allele origin: germline.
Comment: The c.1533+1G>T intronic variant results from a G to T substitution one nucleotide after coding exon 13 of the FANCC gene. Alterations that disrupt the canonical splice site are expected to result in aberrant splicing. In silico splice site analysis predicts that this alteration will weaken the native splice donor site. The resulting transcript is predicted to be in-frame and is not expected to trigger nonsense-mediated mRNAdecay; however, direct evidence is insufficient at this time (Ambry internal data). The exact functional effect of the altered amino acid sequence is unknown. This nucleotide position is highly conserved in available vertebrate species. Since supporting evidence is limited at this time, the clinical significance of this alteration remains unclear.

Women's Health and Genetics/Laboratory Corporation of America, LabCorp
Classification: Likely pathogenic for Fanconi anemia complementation group C. Last evaluated: 2021-08-13. Review status: criteria provided, single submitter. Criteria: LabCorp Variant Classification Summary - May 2015. Collection method: clinical testing. Allele origin: germline.
Comment: Variant summary: FANCC c.1533+1G>T is located in a canonical splice-site and is predicted to affect mRNA splicing resulting in a significantly altered protein due to either exon skipping, shortening, or inclusion of intronic material. Several computational tools predict a significant impact on normal splicing: Four predict the variant abolishes a 5` splicing donor site. However, these predictions have yet to be confirmed by functional studies. The variant was absent in 251152 control chromosomes (gnomAD). To our knowledge, no occurrence of c.1533+1G>T in individuals affected with Fanconi Anemia Group C and no experimental evidence demonstrating its impact on protein function have been reported. One ClinVar submitter (evaluation after 2014) cites the variant as pathogenic. Based on the evidence outlined above, the variant was classified as likely pathogenic.

Literature cited by the submitters: PubMed 17576681 (cited by Labcorp Genetics (formerly Invitae), Labcorp); PubMed 9536098 (cited by Labcorp Genetics (formerly Invitae), Labcorp); PubMed 8103176 (cited by Labcorp Genetics (formerly Invitae), Labcorp); PubMed 8882868 (cited by Labcorp Genetics (formerly Invitae), Labcorp); PubMed 24584348 (cited by Labcorp Genetics (formerly Invitae), Labcorp).

NM_000136.3(FANCC):c.1533+1G>T

Genes: AOPEP (aminopeptidase O (putative); plus strand), FANCC (FA complementation group C; minus strand). Cytogenetic location: 9q22.32.
Variant type: single nucleotide variant.
Coding change: c.1533+1G>T on transcript NM_000136.3 (MANE Select); the canonical splice donor site of the intron after coding-DNA position 1533, G replaced by T.
Molecular consequence: splice donor variant.
Genome position (GRCh38, 1-based): chr9:95,107,065, C>A on the plus strand (G>T on the coding strand, the complement: FANCC is on the minus strand). VCF-style: chr9-95107065-C-A. GRCh37 (hg19) VCF-style: chr9-97869347-C-A.
Other names: c.1533+1G>T (NM_001243743.2).
Identifiers: ClinVar variation 857945 (VCV000857945.17), dbSNP rs753885687, ClinGen allele CA374105469.